The following is an entry in ClinVar:

NM_001379500.1(COL18A1):c.1005G>C (p.Glu335Asp)

Gene: COL18A1 (collagen type XVIII alpha 1 chain; plus strand). Cytogenetic location: 21q22.3.
Variant type: single nucleotide variant.
Coding change: c.1005G>C on transcript NM_001379500.1 (MANE Select); coding-DNA position 1005, G replaced by C.
Protein change: p.Glu335Asp; replaces glutamic acid 335 with aspartic acid.
Molecular consequence: missense variant.
Genome position (GRCh38, 1-based): chr21:45,477,487, G>C. VCF-style: chr21-45477487-G-C. GRCh37 (hg19) VCF-style: chr21-46897401-G-C.
Other names: c.1545G>C, p.Glu515Asp (NM_030582.4); c.2250G>C, p.Glu750Asp (NM_130444.3); short protein forms E515D, E335D, E750D.
Identifiers: ClinVar variation 2130878 (VCV002130878.4), dbSNP rs2517605556, ClinGen allele CA410514990.
Genomic context (GRCh38, chr21:45,477,487, plus strand): 5'-CTCAGATTCTGTCTCCACGTGGGACGGGAGTGTCCGGACCCCTGGGGGCCGCGTGAAAGA[G>C]GTAAGGCCACCTCCCTGTGCTCCTGAACCATTCTGAACCAGAGCACCTGTGGCCTTTTGG-3'
Protein context (NP_001366429.1, residues 325-345): SVRTPGGRVK[Glu335Asp]GGLKGQKGEP

ClinVar aggregate classification (germline): Uncertain significance (1 of 4 stars; one submission).

Submission:

Labcorp Genetics (formerly Invitae), Labcorp
Classification: Uncertain significance. Last evaluated: 2022-05-13. Review status: criteria provided, single submitter. Criteria: Invitae Variant Classification Sherloc (09022015). Collection method: clinical testing. Allele origin: germline.
Comment: This sequence change replaces glutamic acid, which is acidic and polar, with aspartic acid, which is acidic and polar, at codon 335 of the COL18A1 protein (p.Glu335Asp). This variant is not present in population databases (gnomAD no frequency). This variant has not been reported in the literature in individuals affected with COL18A1-related conditions. Algorithms developed to predict the effect of sequence changes on RNA splicing suggest that this variant may disrupt the consensus splice site. In summary, the available evidence is currently insufficient to determine the role of this variant in disease. Therefore, it has been classified as a Variant of Uncertain Significance.